The following is an entry in ClinVar:

ClinVar aggregate classification (germline): Uncertain significance. Review status: criteria provided, multiple submitters, no conflicts (2 of 4 stars). 2 submissions from 2 submitters: Uncertain significance (2). Last evaluated 2025-07-14.

Allele frequency attached by ClinVar (database versions not stated): gnomAD exomes 0.00002 and 0.00003; TOPMed 0.00002; gnomAD 0.00003; ExAC 0.00004; ESP Exome Variant Server 0.00008.
gnomAD v4.1: 41 of 1,611,060 alleles (0.0025%); highest among the groups gnomAD compares: Admixed American, 0.0033%; no homozygotes.

Submissions (2):

Labcorp Genetics (formerly Invitae), Labcorp
Classification: Uncertain significance. Last evaluated: 2025-07-14. Review status: criteria provided, single submitter. Criteria: Invitae Variant Classification Sherloc (09022015). Collection method: clinical testing. Allele origin: germline.
Comment: This sequence change replaces serine, which is neutral and polar, with leucine, which is neutral and non-polar, at codon 490 of the CD96 protein (p.Ser490Leu). This variant is present in population databases (rs377429008, gnomAD 0.006%). This variant has not been reported in the literature in individuals affected with CD96-related conditions. ClinVar contains an entry for this variant (Variation ID: 1521669). Invitae Evidence Modeling of protein sequence and biophysical properties (such as structural, functional, and spatial information, amino acid conservation, physicochemical variation, residue mobility, and thermodynamic stability) has been performed for this missense variant. However, the output from this modeling did not meet the statistical confidence thresholds required to predict the impact of this variant on CD96 protein function. In summary, the available evidence is currently insufficient to determine the role of this variant in disease. Therefore, it has been classified as a Variant of Uncertain Significance.

Ambry Genetics
Classification: Uncertain significance. Last evaluated: 2022-09-06. Review status: criteria provided, single submitter. Criteria: Ambry Variant Classification Scheme 2023. Collection method: clinical testing. Allele origin: germline.

NM_005816.5(CD96):c.1421C>T (p.Ser474Leu)

Gene: CD96 (CD96 molecule; plus strand). Cytogenetic location: 3q13.2.
Variant type: single nucleotide variant.
Coding change: c.1421C>T on transcript NM_005816.5 (MANE Select); coding-DNA position 1421, C replaced by T.
Protein change: p.Ser474Leu; replaces serine 474 with leucine.
Molecular consequence: missense variant. On other transcripts: non-coding transcript variant (1).
Genome position (GRCh38, 1-based): chr3:111,638,112, C>T. VCF-style: chr3-111638112-C-T. GRCh37 (hg19) VCF-style: chr3-111356959-C-T.
Other names: c.1469C>T, p.Ser490Leu (NM_198196.3); c.1469C>T (NM_198196.2); short protein forms S474L, S490L.
Identifiers: ClinVar variation 1521669 (VCV001521669.7), dbSNP rs377429008, ClinGen allele CA2534799.